The following is an entry in ClinVar:

ClinVar aggregate classification (germline): Uncertain significance (1 of 4 stars; one submission).

Submission:

Labcorp Genetics (formerly Invitae), Labcorp
Classification: Uncertain significance. Last evaluated: 2023-03-09. Review status: criteria provided, single submitter. Criteria: Invitae Variant Classification Sherloc (09022015). Collection method: clinical testing. Allele origin: germline.
Comment: Algorithms developed to predict the effect of sequence changes on RNA splicing suggest that this variant may create or strengthen a splice site. In summary, the available evidence is currently insufficient to determine the role of this variant in disease. Therefore, it has been classified as a Variant of Uncertain Significance. This variant has not been reported in the literature in individuals affected with CLTC-related conditions. This sequence change falls in intron 13 of the CLTC gene. It does not directly change the encoded amino acid sequence of the CLTC protein. This variant is not present in population databases (gnomAD no frequency).

NM_004859.4(CLTC):c.2129-7C>G

Gene: CLTC (clathrin heavy chain; plus strand). Cytogenetic location: 17q23.1.
Variant type: single nucleotide variant.
Coding change: c.2129-7C>G on transcript NM_004859.4 (MANE Select); 7 bases into the intron before coding-DNA position 2129, C replaced by G.
Molecular consequence: intron variant.
Genome position (GRCh38, 1-based): chr17:59,668,770, C>G. VCF-style: chr17-59668770-C-G. GRCh37 (hg19) VCF-style: chr17-57746131-C-G.
Other names: c.2141-7C>G (NM_001288653.2).
Identifiers: ClinVar variation 2844430 (VCV002844430.3), dbSNP rs2509386734, ClinGen allele CA2739268285.